The following is an entry in ClinVar:

ClinVar aggregate classification (germline): Uncertain significance. Review status: criteria provided, multiple submitters, no conflicts (2 of 4 stars). 2 submissions from 2 submitters: Uncertain significance (2). Last evaluated 2024-10-19.

Conditions:
Early Myoclonic Encephalopathy. Identifiers: MedGen C0270855.

Allele frequency attached by ClinVar (database versions not stated): ESP Exome Variant Server 0.00016; gnomAD exomes 0.00004 and 0.00002; gnomAD 0.00007; ExAC 0.00004; TOPMed 0.00008.
gnomAD v4.1: 36 of 1,614,048 alleles (0.0022%); highest among the groups gnomAD compares: African/African-American, 0.029%; no homozygotes.

Submissions (2):

Ambry Genetics
Classification: Uncertain significance. Last evaluated: 2024-10-19. Review status: criteria provided, single submitter. Criteria: Ambry Variant Classification Scheme 2023. Collection method: clinical testing. Allele origin: germline.

Labcorp Genetics (formerly Invitae), Labcorp
Classification: Uncertain significance for Early Myoclonic Encephalopathy. Last evaluated: 2024-01-20. Review status: criteria provided, single submitter. Criteria: Invitae Variant Classification Sherloc (09022015). Collection method: clinical testing. Allele origin: germline.
Comment: This sequence change replaces threonine, which is neutral and polar, with isoleucine, which is neutral and non-polar, at codon 1177 of the JMJD1C protein (p.Thr1177Ile). This variant is present in population databases (rs377087649, gnomAD 0.03%). This variant has not been reported in the literature in individuals affected with JMJD1C-related conditions. ClinVar contains an entry for this variant (Variation ID: 640097). Advanced modeling of protein sequence and biophysical properties (such as structural, functional, and spatial information, amino acid conservation, physicochemical variation, residue mobility, and thermodynamic stability) performed at Invitae indicates that this missense variant is not expected to disrupt JMJD1C protein function with a negative predictive value of 80%. In summary, the available evidence is currently insufficient to determine the role of this variant in disease. Therefore, it has been classified as a Variant of Uncertain Significance.

NM_032776.3(JMJD1C):c.3530C>T (p.Thr1177Ile)

Gene: JMJD1C (jumonji domain containing 1C; minus strand). Cytogenetic location: 10q21.3.
Variant type: single nucleotide variant.
Coding change: c.3530C>T on transcript NM_032776.3 (MANE Select); coding-DNA position 3530, C replaced by T.
Protein change: p.Thr1177Ile; replaces threonine 1177 with isoleucine.
Molecular consequence: missense variant. On other transcripts: non-coding transcript variant (1).
Genome position (GRCh38, 1-based): chr10:63,208,139, G>A on the plus strand (C>T on the coding strand, the complement: JMJD1C is on the minus strand). VCF-style: chr10-63208139-G-A. GRCh37 (hg19) VCF-style: chr10-64967899-G-A.
Other names: c.3530C>T (NM_032776.1); c.2984C>T, p.Thr995Ile (NM_001282948.2, NM_001318154.2); c.2666C>T, p.Thr889Ile (NM_001318153.2); c.3416C>T, p.Thr1139Ile (NM_001322252.2); c.2873C>T, p.Thr958Ile (NM_001322254.2, NM_001322258.2); short protein forms T1139I, T889I, T958I, T1177I, T995I.
Identifiers: ClinVar variation 640097 (VCV000640097.11), dbSNP rs377087649, ClinGen allele CA5518416.